The following is an entry in ClinVar:

NM_001903.5(CTNNA1):c.2433+220T>G

Gene: CTNNA1 (catenin alpha 1; plus strand). Cytogenetic location: 5q31.2.
Variant type: single nucleotide variant.
Coding change: c.2433+220T>G on transcript NM_001903.5 (MANE Select); 220 bases into the intron after coding-DNA position 2433, T replaced by G.
Molecular consequence: intron variant. On other transcripts: synonymous variant (5).
Genome position (GRCh38, 1-based): chr5:138,932,932, T>G. VCF-style: chr5-138932932-T-G. GRCh37 (hg19) VCF-style: chr5-138268621-T-G.
Other names: c.2478T>G, p.Pro826= (NM_001290307.3); c.1368T>G, p.Pro456= (NM_001324002.1, NM_001324003.1, NM_001324004.1 and 1 more transcripts); c.2433+220T>G (NM_001323982.2, NM_001323984.2, NM_001323985.2 and 1 more transcripts); c.2340+220T>G (NM_001323986.2); c.2064+220T>G (NM_001290310.3); c.2124+220T>G (NM_001290309.3); c.1323+220T>G (NM_001323996.1, NM_001323993.1, NM_001323998.1 and 12 more transcripts); c.984+220T>G (NM_001324007.1, NM_001324009.1, NM_001324006.1 and 2 more transcripts); and 3 more.
Identifiers: ClinVar variation 3032682 (VCV003032682.14), dbSNP rs374287695, ClinGen allele CA3432217.

ClinVar aggregate classification (germline): Likely benign. Review status: criteria provided, multiple submitters, no conflicts (2 of 4 stars). 4 submissions from 4 submitters: Likely benign (3). 1 of the submissions does not count toward it. Last evaluated 2025-05-01.

Conditions:
Patterned macular dystrophy 2. Identifiers: Orphanet 99001, MedGen C1837029, MONDO:0012162, OMIM 608970.
CTNNA1-related disorder. Also called: CTNNA1-related condition.

Allele frequency attached by ClinVar (database versions not stated): gnomAD exomes 0.00003; ExAC 0.00005; gnomAD 0.00008; TOPMed 0.00009; ESP Exome Variant Server 0.00017.
gnomAD v4.1: 35 of 782,494 alleles (0.0045%); highest among the groups gnomAD compares: Non-Finnish European, 0.0065%; no homozygotes.

Submissions (4):

CeGaT Center for Human Genetics Tuebingen
Classification: Likely benign. Last evaluated: 2025-05-01. Review status: criteria provided, single submitter. Criteria: CeGaT Center For Human Genetics Tuebingen Variant Classification Criteria Version 2. Collection method: clinical testing. Allele origin: germline. Affected: yes. Observed: 1 variant allele.
Comment: CTNNA1: BP4, BP7

ARUP Laboratories, Molecular Genetics and Genomics, ARUP Laboratories
Classification: Likely benign for Patterned macular dystrophy 2. Last evaluated: 2024-07-26. Review status: criteria provided, single submitter. Criteria: ARUP Molecular Germline Variant Investigation Process 2024. Collection method: clinical testing. Allele origin: germline.

Blueprint Genetics
Classification: Likely benign. Last evaluated: 2024-04-16. Review status: criteria provided, single submitter. Criteria: ACMG Guidelines, 2015. Collection method: clinical testing. Allele origin: germline.

PreventionGenetics, part of Exact Sciences
Classification: Likely benign for CTNNA1-related condition. Last evaluated: 2022-06-09. Review status: no assertion criteria provided. Collection method: clinical testing. Allele origin: germline. Not counted in ClinVar's aggregate classification.
Comment: This variant is classified as likely benign based on ACMG/AMP sequence variant interpretation guidelines (Richards et al. 2015 PMID: 25741868, with internal and published modifications).